The following is an entry in ClinVar:

NM_000400.4(ERCC2):c.821_822del (p.Lys274fs)

Gene: ERCC2 (ERCC excision repair 2, TFIIH core complex helicase subunit; minus strand). Cytogenetic location: 19q13.32.
Variant type: Deletion.
Coding change: c.821_822del on transcript NM_000400.4 (MANE Select); coding-DNA positions 821 to 822, 2 bases deleted (AA; older notation c.821_822delAA).
Protein change: p.Lys274fs; shifts the reading frame from lysine 274.
Molecular consequence: frameshift variant. On other transcripts: non-coding transcript variant (3).
Genome position (GRCh38, 1-based): chr19:45,364,113-45,364,114, TT deleted on the plus strand (AA on the coding strand, the reverse complement: ERCC2 is on the minus strand); deleting any 2 consecutive bases within chr19:45,364,113-45,364,115 gives the same sequence; the c. name uses the placement nearest the transcript's 3' end. VCF-style (leftmost placement, unchanged base first): chr19-45364112-CTT-C. GRCh37 (hg19) VCF-style: chr19-45867370-CTT-C.
Other names: c.749_750del, p.Lys250fs (NM_001130867.2, NM_001440355.1); c.743_744del, p.Lys248fs (NM_001440356.1); c.698_699del, p.Lys233fs (NM_001440357.1); short protein forms K233fs, K248fs, K250fs, K274fs.
Identifiers: ClinVar variation 5013877 (VCV005013877.1).

ClinVar aggregate classification (germline): Pathogenic (1 of 4 stars; one submission).

Conditions:
ERCC2-related disorder. Also called: ERCC2-related conditions; ERCC2-related condition; ERCC2-related disorders. Identifiers: MedGen CN239291.

Submission:

Myriad Genetics, Inc.
Classification: Pathogenic for ERCC2-related disorder. Last evaluated: 2024-12-21. Review status: criteria provided, single submitter. Criteria: Myriad Autosomal Dominant, Autosomal Recessive and X-Linked Classification Criteria (2023). Collection method: clinical testing. Allele origin: unknown.
Comment: NM_000400.3(ERCC2):c.821_822delAA(K274Rfs*103) is expected to be pathogenic in the context of ERCC2-related disorders. This variant is predicted to lead to an abnormal or absent protein product due to the creation of a premature termination codon in ERCC2, a gene where loss-of-function variants are known to be pathogenic. Please note: this variant was assessed in the context of healthy population screening.